The following is an entry in ClinVar:

ClinVar aggregate classification (germline): Uncertain significance (1 of 4 stars; one submission).

Conditions:
Fanconi anemia (FA). Also called: Fanconi's anemia. Identifiers: Orphanet 84, MedGen C0015625, MeSH D005199, MONDO:0019391.

Submission:

Labcorp Genetics (formerly Invitae), Labcorp
Classification: Uncertain significance for Fanconi anemia. Last evaluated: 2019-03-20. Review status: criteria provided, single submitter. Criteria: Invitae Variant Classification Sherloc (09022015). Collection method: clinical testing. Allele origin: germline.
Comment: In summary, the available evidence is currently insufficient to determine the role of this variant in disease. Therefore, it has been classified as a Variant of Uncertain Significance. Algorithms developed to predict the effect of missense changes on protein structure and function are either unavailable or do not agree on the potential impact of this missense change (SIFT: "Deleterious"; PolyPhen-2: "Probably Damaging"; Align-GVGD: "Class C15"). This variant has not been reported in the literature in individuals with FANCG-related conditions. This variant is not present in population databases (ExAC no frequency). This sequence change replaces aspartic acid with tyrosine at codon 376 of the FANCG protein (p.Asp376Tyr). The aspartic acid residue is weakly conserved and there is a large physicochemical difference between aspartic acid and tyrosine.

NM_004629.2(FANCG):c.1126G>T (p.Asp376Tyr)

Gene: FANCG (FA complementation group G; minus strand). Cytogenetic location: 9p13.3.
Variant type: single nucleotide variant.
Coding change: c.1126G>T on transcript NM_004629.2 (MANE Select); coding-DNA position 1126, G replaced by T.
Protein change: p.Asp376Tyr; replaces aspartic acid 376 with tyrosine.
Molecular consequence: missense variant.
Genome position (GRCh38, 1-based): chr9:35,075,979, C>A on the plus strand (G>T on the coding strand, the complement: FANCG is on the minus strand). VCF-style: chr9-35075979-C-A. GRCh37 (hg19) VCF-style: chr9-35075976-C-A.
Other names: short protein forms D376Y.
Identifiers: ClinVar variation 663266 (VCV000663266.10), dbSNP rs1587140699, ClinGen allele CA373310055.